The following is an entry in ClinVar:

ClinVar aggregate classification (germline): Likely benign. Review status: criteria provided, multiple submitters, no conflicts (2 of 4 stars). 4 submissions from 4 submitters: Likely benign (4). Last evaluated 2024-12-16.

Allele frequency attached by ClinVar (database versions not stated): gnomAD 0.00005 and 0.00006; TOPMed 0.00007; gnomAD exomes 0.00009 and 0.00018; ExAC 0.00021; ESP Exome Variant Server 0.00031.
gnomAD v4.1: 142 of 1,613,218 alleles (0.0088%); highest among the groups gnomAD compares: Middle Eastern, 0.083%; no homozygotes.

Submissions (4):

Labcorp Genetics (formerly Invitae), Labcorp
Classification: Likely benign. Last evaluated: 2024-12-16. Review status: criteria provided, single submitter. Criteria: Invitae Variant Classification Sherloc (09022015). Collection method: clinical testing. Allele origin: germline.

Blueprint Genetics
Classification: Likely benign. Last evaluated: 2024-11-08. Review status: criteria provided, single submitter. Criteria: ACMG Guidelines, 2015. Collection method: clinical testing. Allele origin: germline.

Laboratory for Molecular Medicine, Mass General Brigham Personalized Medicine
Classification: Likely benign. Last evaluated: 2012-04-30. Review status: criteria provided, single submitter. Criteria: LMM Criteria. Collection method: clinical testing. Allele origin: germline. Observed: 1 variant allele.
Comment: Ser1714Ser in Exon 36 of MYH9: This variant is not expected to have clinical sig nificance because it does not alter an amino acid residue, is not located within the splice consensus sequence, and has been identified in 2/7020 European Ameri can chromosomes from a broad population by the NHLBI Exome Sequencing Project (dbSNP rs141854577).

PreventionGenetics, part of Exact Sciences
Classification: Likely benign. Review status: criteria provided, single submitter. Criteria: ACMG Guidelines, 2015. Collection method: clinical testing. Allele origin: germline.

NM_002473.6(MYH9):c.5142C>T (p.Ser1714=)

Gene: MYH9 (myosin heavy chain 9; minus strand). Cytogenetic location: 22q12.3.
Variant type: single nucleotide variant.
Coding change: c.5142C>T on transcript NM_002473.6 (MANE Select); coding-DNA position 5142, C replaced by T.
Protein change: p.Ser1714=; no amino-acid change (serine 1714 retained).
Molecular consequence: synonymous variant.
Genome position (GRCh38, 1-based): chr22:36,285,873, G>A on the plus strand (C>T on the coding strand, the complement: MYH9 is on the minus strand). VCF-style: chr22-36285873-G-A. GRCh37 (hg19) VCF-style: chr22-36681919-G-A.
Identifiers: ClinVar variation 178426 (VCV000178426.13), dbSNP rs141854577, ClinGen allele CA182305.
Genomic context (GRCh38, chr22:36,285,873, plus strand): 5'-ACCCTGGGGACACACCTGGTCCCCCCCAACTCTGCCCCCTCACTCAGCTCACCCTTTGCC[G>A]CTGCTGTTGGCGATCTCGTCAGCCAGCTCATCCCGCTCCTGCTGGGCCTGGCGCTTGGCA-3'
Protein context (NP_002464.1, residues 1704-1724): DELADEIANS[Ser1714=]GKGALALEEK